The following is an entry in ClinVar:

NM_000719.7(CACNA1C):c.2122T>G (p.Trp708Gly)

Gene: CACNA1C (calcium voltage-gated channel subunit alpha1 C; plus strand). Cytogenetic location: 12p13.33.
Variant type: single nucleotide variant.
Coding change: c.2122T>G on transcript NM_000719.7 (MANE Select); coding-DNA position 2122, T replaced by G.
Protein change: p.Trp708Gly; replaces tryptophan 708 with glycine.
Molecular consequence: missense variant.
Genome position (GRCh38, 1-based): chr12:2,582,840, T>G. VCF-style: chr12-2582840-T-G. GRCh37 (hg19) VCF-style: chr12-2692006-T-G.
Other names: c.2122T>G, p.Trp708Gly (NM_001129827.2, NM_001129829.2, NM_001129830.3 and 18 more transcripts); c.2113T>G, p.Trp705Gly (NM_001129844.2); short protein forms W705G, W708G.
Identifiers: ClinVar variation 3375856 (VCV003375856.2).

ClinVar aggregate classification (germline): Uncertain significance (1 of 4 stars; one submission).

Submission:

GeneDx
Classification: Uncertain significance. Last evaluated: 2025-04-07. Review status: criteria provided, single submitter. Criteria: GeneDx Variant Classification Process June 2021. Collection method: clinical testing. Allele origin: germline.
Comment: Not observed at significant frequency in large population cohorts (gnomAD); In silico analysis supports that this missense variant has a deleterious effect on protein structure/function; Has not been previously published as pathogenic or benign to our knowledge